The following is an entry in ClinVar:

ClinVar aggregate classification (germline): Uncertain significance (1 of 4 stars; one submission).

Conditions:
Tuberous sclerosis 2 (TSC2). Identifiers: Orphanet 805, MedGen C1860707, MONDO:0013199, OMIM 613254.

Submission:

Labcorp Genetics (formerly Invitae), Labcorp
Classification: Uncertain significance for Tuberous sclerosis 2. Last evaluated: 2018-11-28. Review status: criteria provided, single submitter. Criteria: Invitae Variant Classification Sherloc (09022015). Collection method: clinical testing. Allele origin: germline.
Comment: This variant, c.2661_2699del, results in the deletion of 13 amino acid(s) of the TSC2 protein (p.Leu888_Cys900del), but otherwise preserves the integrity of the reading frame. This variant is not present in population databases (ExAC no frequency). This variant has not been reported in the literature in individuals with TSC2-related disease. Experimental studies and prediction algorithms are not available for this variant, and the functional significance of the affected amino acid(s) is currently unknown. In summary, the available evidence is currently insufficient to determine the role of this variant in disease. Therefore, it has been classified as a Variant of Uncertain Significance.

NM_000548.5(TSC2):c.2661_2699del (p.Leu888_Cys900del)

Gene: TSC2 (TSC complex subunit 2; plus strand). Cytogenetic location: 16p13.3.
Variant type: Deletion.
Coding change: c.2661_2699del on transcript NM_000548.5 (MANE Select); coding-DNA positions 2661 to 2699, 39 bases deleted.
Protein change: p.Leu888_Cys900del.
Molecular consequence: inframe deletion.
Genome position (GRCh38, 1-based): chr16:2,076,089-2,076,127, 39 bases deleted; deleting any 39 consecutive bases within chr16:2,076,086-2,076,127 gives the same sequence; the c. name uses the placement nearest the transcript's 3' end. GRCh37 (hg19): chr16:2,126,090-2,126,128.
Other names: c.2661_2699del, p.Leu888_Cys900del (NM_001077183.3, NM_001114382.3, NM_001363528.2 and 3 more transcripts); c.2550_2588del, p.Leu851_Cys863del (NM_001318827.2); c.2514_2552del, p.Leu839_Cys851del (NM_001318829.2); c.2061_2099del, p.Leu688_Cys700del (NM_001318831.2); c.2694_2732del, p.Leu899_Cys911del (NM_001318832.2).
Identifiers: ClinVar variation 645664 (VCV000645664.1), dbSNP rs1596366593, ClinGen allele CA915946282.